The following is an entry in ClinVar:

ClinVar aggregate classification (germline): Likely benign. Review status: criteria provided, single submitter (1 of 4 stars). 2 submissions from 2 submitters: Likely benign (1). 1 of the submissions does not count toward it. Last evaluated 2022-12-22.

Conditions:
HUWE1-related disorder. Also called: HUWE1-related condition.

Allele frequency attached by ClinVar (database versions not stated): TOPMed below 0.00001; gnomAD 0.00001.
gnomAD v4.1: 12 of 1,208,014 alleles (0.00099%); highest among the groups gnomAD compares: Non-Finnish European, 0.0012%; no homozygotes.

Submissions (2):

Labcorp Genetics (formerly Invitae), Labcorp
Classification: Likely benign. Last evaluated: 2022-12-22. Review status: criteria provided, single submitter. Criteria: Invitae Variant Classification Sherloc (09022015). Collection method: clinical testing. Allele origin: germline.

PreventionGenetics, part of Exact Sciences
Classification: Likely benign for HUWE1-related condition. Last evaluated: 2019-09-05. Review status: no assertion criteria provided. Collection method: clinical testing. Allele origin: germline. Not counted in ClinVar's aggregate classification.
Comment: This variant is classified as likely benign based on ACMG/AMP sequence variant interpretation guidelines (Richards et al. 2015 PMID: 25741868, with internal and published modifications).

NM_031407.7(HUWE1):c.5885-10G>A

Gene: HUWE1 (HECT, UBA and WWE domain containing E3 ubiquitin protein ligase 1; minus strand). Cytogenetic location: Xp11.22.
Variant type: single nucleotide variant.
Coding change: c.5885-10G>A on transcript NM_031407.7 (MANE Select); 10 bases into the intron before coding-DNA position 5885, G replaced by A.
Molecular consequence: intron variant.
Genome position (GRCh38, 1-based): chrX:53,575,798, C>T on the plus strand (G>A on the coding strand, the complement: HUWE1 is on the minus strand). VCF-style: chrX-53575798-C-T. GRCh37 (hg19) VCF-style: chrX-53602758-C-T.
Other names: c.5885-10G>A (NM_031407.6).
Identifiers: ClinVar variation 2992972 (VCV002992972.5), dbSNP rs1250434218, ClinGen allele CA876296515.
Genomic context (GRCh38, chrX:53,575,798, plus strand): 5'-GCTGGCCAACCTCTTGGGTCATAACCCCAGGTTTAGGATCAGATTTATCTGCTAGGAAAA[C>T]AGTAACAACCATCAAAAACAAAATAAACCTCTTCTACAATTGGACAATGTTAAGGCCTAT-3'